The following is an entry in ClinVar:

NM_024675.4(PALB2):c.1083T>C (p.Thr361=)

Gene: PALB2 (partner and localizer of BRCA2; minus strand). Cytogenetic location: 16p12.2.
Variant type: single nucleotide variant.
Coding change: c.1083T>C on transcript NM_024675.4 (MANE Select); coding-DNA position 1083, T replaced by C.
Protein change: p.Thr361=; no amino-acid change (threonine 361 retained).
Molecular consequence: synonymous variant.
Genome position (GRCh38, 1-based): chr16:23,635,463, A>G on the plus strand (T>C on the coding strand, the complement: PALB2 is on the minus strand). VCF-style: chr16-23635463-A-G. GRCh37 (hg19) VCF-style: chr16-23646784-A-G.
Identifiers: ClinVar variation 517001 (VCV000517001.11), dbSNP rs1555461457, ClinGen allele CA494461562.

ClinVar aggregate classification (germline): Likely benign. Review status: criteria provided, multiple submitters, no conflicts (2 of 4 stars). 3 submissions from 3 submitters: Likely benign (3). Last evaluated 2025-09-27.

Conditions:
Hereditary cancer-predisposing syndrome. Also called: Tumor predisposition; Hereditary neoplastic syndrome; Neoplastic Syndromes, Hereditary; Hereditary Cancer Syndrome. Identifiers: Orphanet 140162, MedGen C0027672, MeSH D009386, MONDO:0015356.
Familial cancer of breast. Also called: BREAST CANCER, FAMILIAL; hereditary breast carcinoma; Hereditary breast cancer. Identifiers: Orphanet 227535, MedGen C0346153, MONDO:0016419, OMIM 114480. Disease mechanism: loss of function.

Submissions (3):

Ambry Genetics
Classification: Likely benign for Hereditary cancer-predisposing syndrome. Last evaluated: 2025-09-27. Review status: criteria provided, single submitter. Criteria: Ambry Variant Classification Scheme 2023. Collection method: clinical testing. Allele origin: germline.

Labcorp Genetics (formerly Invitae), Labcorp
Classification: Likely benign for Familial cancer of breast. Last evaluated: 2020-05-20. Review status: criteria provided, single submitter. Criteria: Invitae Variant Classification Sherloc (09022015). Collection method: clinical testing. Allele origin: germline.

GeneDx
Classification: Likely benign. Last evaluated: 2017-08-08. Review status: criteria provided, single submitter. Criteria: GeneDx Variant Classification (06012015). Collection method: clinical testing. Allele origin: germline. Affected: yes.
Comment: This variant is considered likely benign or benign based on one or more of the following criteria: it is a conservative change, it occurs at a poorly conserved position in the protein, it is predicted to be benign by multiple in silico algorithms, and/or has population frequency not consistent with disease.